The following is an entry in ClinVar:

ClinVar aggregate classification (germline): Uncertain significance (1 of 4 stars; one submission).

gnomAD v4.1: 28 of 1,613,672 alleles (0.0017%); highest among the groups gnomAD compares: Middle Eastern, 0.017%; no homozygotes.

Submission:

Labcorp Genetics (formerly Invitae), Labcorp
Classification: Uncertain significance. Last evaluated: 2025-02-24. Review status: criteria provided, single submitter. Criteria: Invitae Variant Classification Sherloc (09022015). Collection method: clinical testing. Allele origin: germline.
Comment: This sequence change falls in intron 7 of the FLNB gene. It does not directly change the encoded amino acid sequence of the FLNB protein. It affects a nucleotide within the consensus splice site. This variant is present in population databases (no rsID available, gnomAD 0.002%). This variant has not been reported in the literature in individuals affected with FLNB-related conditions. ClinVar contains an entry for this variant (Variation ID: 2985279). Variants that disrupt the consensus splice site are a relatively common cause of aberrant splicing (PMID: 17576681, 9536098). Algorithms developed to predict the effect of sequence changes on RNA splicing suggest that this variant is not likely to affect RNA splicing. In summary, the available evidence is currently insufficient to determine the role of this variant in disease. Therefore, it has been classified as a Variant of Uncertain Significance.

Literature cited by the submitters: PubMed 17576681; PubMed 9536098.

NM_001457.4(FLNB):c.1147+6G>A

Gene: FLNB (filamin B; plus strand). Cytogenetic location: 3p14.3.
Variant type: single nucleotide variant.
Coding change: c.1147+6G>A on transcript NM_001457.4 (MANE Select); 6 bases into the intron after coding-DNA position 1147, G replaced by A.
Molecular consequence: intron variant.
Genome position (GRCh38, 1-based): chr3:58,097,983, G>A. VCF-style: chr3-58097983-G-A. GRCh37 (hg19) VCF-style: chr3-58083710-G-A.
Other names: c.1147+6G>A (NM_001164317.2, NM_001164318.2, NM_001164319.2).
Identifiers: ClinVar variation 2985279 (VCV002985279.3), dbSNP rs935310260, ClinGen allele CA75442346.